The following is an entry in ClinVar:

NM_033118.4(MYLK2):c.961C>T (p.Pro321Ser)

Gene: MYLK2 (myosin light chain kinase 2; plus strand). Cytogenetic location: 20q11.21.
Variant type: single nucleotide variant.
Coding change: c.961C>T on transcript NM_033118.4 (MANE Select); coding-DNA position 961, C replaced by T.
Protein change: p.Pro321Ser; replaces proline 321 with serine.
Molecular consequence: missense variant.
Genome position (GRCh38, 1-based): chr20:31,824,341, C>T. VCF-style: chr20-31824341-C-T. GRCh37 (hg19) VCF-style: chr20-30412144-C-T.
Other names: short protein forms P321S.
Identifiers: ClinVar variation 3297635 (VCV003297635.1).

ClinVar aggregate classification (germline): Uncertain significance (1 of 4 stars; one submission).

Submission:

Ambry Genetics
Classification: Uncertain significance. Last evaluated: 2024-05-22. Review status: criteria provided, single submitter. Criteria: Ambry Variant Classification Scheme 2023. Collection method: clinical testing. Allele origin: germline.
Comment: The p.P321S variant (also known as c.961C>T), located in coding exon 5 of the MYLK2 gene, results from a C to T substitution at nucleotide position 961. The proline at codon 321 is replaced by serine, an amino acid with similar properties. This amino acid position is conserved. In addition, this alteration is predicted to be tolerated by in silico analysis. Based on the available evidence, the clinical significance of this variant remains unclear.